The following is an entry in ClinVar:

NM_000062.3(SERPING1):c.950dup (p.Asn317fs)

Gene: SERPING1 (serpin family G member 1; plus strand). Cytogenetic location: 11q12.1.
Variant type: Duplication.
Coding change: c.950dup on transcript NM_000062.3 (MANE Select); coding-DNA position 950, one base duplicated (A; older notation c.950dupA).
Protein change: p.Asn317fs; shifts the reading frame from asparagine 317.
Molecular consequence: frameshift variant.
Genome position (GRCh38, 1-based): chr11:57,606,468, A duplicated; the last of 5 consecutive A bases (chr11:57,606,464-57,606,468); duplicating any one gives the same sequence. VCF-style (leftmost placement, unchanged base first): chr11-57606463-C-CA. GRCh37 (hg19) VCF-style: chr11-57373936-C-CA.
Other names: c.950dup, p.Asn317fs (NM_001032295.2); c.950dupA (NM_000062.3); short protein forms N317fs.
Identifiers: ClinVar variation 3242567 (VCV003242567.2), dbSNP rs2495442313.

ClinVar aggregate classification (germline): Pathogenic (1 of 4 stars; one submission).

Conditions:
Hereditary angioedema type 1 (HAE1). Identifiers: Orphanet 100050, Orphanet 100051, Orphanet 91378, MedGen C2717906, MONDO:0015053, OMIM 106100.

Submission:

DNA-diagnostics Laboratory, Research Centre For Medical Genetics
Classification: Pathogenic for Hereditary angioedema type 1. Last evaluated: 2024-06-01. Review status: criteria provided, single submitter. Criteria: ACMG Guidelines, 2015. Collection method: research. Allele origin: germline. Inheritance: Autosomal dominant inheritance. Affected: yes. Observed: 4 variant alleles, 4 heterozygotes.
Comment: The c.963delA variant in SERPING1 meets ACMG/ClinGen SVI guidance criteria to be classified as pathogenic: PVS1, PS2, PP4_Str, PS4_Mod, PM2_Sup